The following continues an entry in ClinVar:

NM_000059.4(BRCA2):c.6100C>T (p.Arg2034Cys)

Gene: BRCA2. ClinVar aggregate classification (germline): Benign. Benign (1).

Submissions 23 to 51 of 51:

Baylor Genetics
Classification: Benign for Familial cancer of breast. Last evaluated: 2017-02-23. Review status: criteria provided, single submitter. Criteria: ACMG Guidelines, 2015. Collection method: clinical testing. Allele origin: germline. Inheritance: Autosomal dominant inheritance. Affected: no. Not counted in ClinVar's aggregate classification.

Institute for Biomarker Research, Medical Diagnostic Laboratories, L.L.C.
Classification: Likely benign for Hereditary breast and ovarian cancer syndrome(HBOC). Last evaluated: 2017-02-14. Review status: criteria provided, single submitter. Criteria: ACMG Guidelines, 2015. Collection method: clinical testing. Allele origin: germline. Not counted in ClinVar's aggregate classification.

PreventionGenetics, part of Exact Sciences
Classification: Benign. Last evaluated: 2016-09-27. Review status: criteria provided, single submitter. Criteria: ACMG Guidelines, 2015. Collection method: clinical testing. Allele origin: germline. Not counted in ClinVar's aggregate classification.

Center for Pediatric Genomic Medicine, Children's Mercy Hospital and Clinics
Classification: Benign. Last evaluated: 2016-06-27. Review status: criteria provided, single submitter. Criteria: ACMG Guidelines, 2015. Collection method: clinical testing. Allele origin: germline. Not counted in ClinVar's aggregate classification.

Fulgent Genetics
Classification: Likely benign for Breast-ovarian cancer, familial, susceptibility to, 2. Last evaluated: 2015-11-09. Review status: criteria provided, single submitter. Criteria: ACMG Guidelines, 2015. Collection method: clinical testing. Allele origin: unknown. Not counted in ClinVar's aggregate classification.

Color Diagnostics, LLC DBA Color Health
Classification: Benign for Hereditary cancer-predisposing syndrome. Last evaluated: 2015-10-13. Review status: criteria provided, single submitter. Criteria: ACMG Guidelines, 2015. Collection method: clinical testing. Allele origin: germline. Not counted in ClinVar's aggregate classification.

Clinical Genetics DNA and cytogenetics Diagnostics Lab, Erasmus MC, Erasmus Medical Center
Classification: Benign for Breast-ovarian cancer, familial, susceptibility to, 2. Last evaluated: 2015-09-21. Review status: criteria provided, single submitter. Criteria: ACGS Guidelines, 2013. Collection method: clinical testing. Allele origin: germline. Affected: yes. Study: VKGL Data-share Consensus. Not counted in ClinVar's aggregate classification.

Ambry Genetics
Classification: Benign for Hereditary cancer-predisposing syndrome. Last evaluated: 2014-11-19. Review status: criteria provided, single submitter. Criteria: Ambry Variant Classification Scheme 2023. Collection method: clinical testing. Allele origin: germline. Not counted in ClinVar's aggregate classification.

Molecular Genetics Laboratory, University of Michigan
Classification: Benign for Breast-ovarian cancer, familial, susceptibility to, 2. Last evaluated: 2014-11-03. Review status: criteria provided, single submitter. Criteria: ACMG Guidelines, 2015. Collection method: clinical testing. Allele origin: germline. Affected: yes. Not counted in ClinVar's aggregate classification.

Genome Diagnostics Laboratory, University Medical Center Utrecht
Classification: Benign for Breast-ovarian cancer, familial, susceptibility to, 2. Last evaluated: 2014-10-09. Review status: criteria provided, single submitter. Criteria: ACGS Guidelines, 2013. Collection method: clinical testing. Allele origin: germline. Affected: yes. Study: VKGL Data-share Consensus. Not counted in ClinVar's aggregate classification.

Eurofins Ntd Llc (ga)
Classification: Benign. Last evaluated: 2014-08-18. Review status: criteria provided, single submitter. Criteria: EGL Classification Definitions 2015. Collection method: clinical testing. Allele origin: germline. Observed: 2 variant alleles, 2 heterozygotes. Not counted in ClinVar's aggregate classification.

Women's Health and Genetics/Laboratory Corporation of America, LabCorp
Classification: Benign for Hereditary breast ovarian cancer syndrome. Last evaluated: 2014-02-14. Review status: criteria provided, single submitter. Criteria: LabCorp Variant Classification Summary - May 2015. Collection method: clinical testing. Allele origin: germline. Not counted in ClinVar's aggregate classification.

GeneDx
Classification: Benign. Last evaluated: 2013-10-09. Review status: criteria provided, single submitter. Criteria: GeneDx Variant Classification (06012015). Collection method: clinical testing. Allele origin: germline. Affected: yes. Not counted in ClinVar's aggregate classification.
Comment: This variant is considered likely benign or benign based on one or more of the following criteria: it is a conservative change, it occurs at a poorly conserved position in the protein, it is predicted to be benign by multiple in silico algorithms, and/or has population frequency not consistent with disease.

Breakthrough Genomics
Classification: Benign. Review status: criteria provided, single submitter. Criteria: ACMG Guidelines, 2015. Collection method: not provided. Allele origin: germline. Inheritance: Autosomal recessive inheritance. Affected: yes. Not counted in ClinVar's aggregate classification.

BRCAlab, Lund University
Classification: Benign for Breast-ovarian cancer, familial, susceptibility to, 2. Last evaluated: 2020-03-02. Review status: no assertion criteria provided. Collection method: clinical testing. Allele origin: germline. Affected: yes. Not counted in ClinVar's aggregate classification.

True Health Diagnostics
Classification: Likely benign for Hereditary cancer-predisposing syndrome. Last evaluated: 2017-11-10. Review status: no assertion criteria provided. Collection method: clinical testing. Allele origin: germline. Not counted in ClinVar's aggregate classification.

Mayo Clinic Laboratories, Mayo Clinic
Classification: Likely benign. Last evaluated: 2017-02-21. Review status: no assertion criteria provided. Collection method: clinical testing. Allele origin: unknown. Not counted in ClinVar's aggregate classification.

Department of Medical Genetics, University Hospital of North Norway
Classification: Likely benign for Breast-ovarian cancer, familial, susceptibility to, 2. Last evaluated: 2016-05-01. Review status: no assertion criteria provided. Collection method: clinical testing. Allele origin: germline. Affected: yes. Observed: 1 variant allele. Not counted in ClinVar's aggregate classification.

Pathway Genomics
Classification: Likely benign for Breast-ovarian cancer, familial 2. Last evaluated: 2014-07-24. Review status: no assertion criteria provided. Collection method: clinical testing. Allele origin: germline. Not counted in ClinVar's aggregate classification.

Counsyl
Classification: Benign for Breast-ovarian cancer, familial 2. Last evaluated: 2014-02-06. Review status: no assertion criteria provided. Collection method: literature only. Allele origin: unknown. Inheritance: Autosomal dominant inheritance. Not counted in ClinVar's aggregate classification.

ITMI
No classification provided. Condition: AllHighlyPenetrant. Last evaluated: 2013-09-19. Review status: no classification provided. Collection method: reference population. Allele origin: germline. Not counted in ClinVar's aggregate classification.
Comment: Please see associated publication for description of ethnicities

Biesecker Lab/Clinical Genomics Section, National Institutes of Health
Classification: Benign. Last evaluated: 2012-07-13. Review status: no assertion criteria provided. Collection method: research. Allele origin: germline. Affected: no. Observed: 4 variant alleles. Study: ClinSeq. Not counted in ClinVar's aggregate classification.
ClinVar note: Converted during submission from no known pathogenicity to Benign.

Sharing Clinical Reports Project (SCRP)
Classification: Benign for Breast-ovarian cancer, familial 2. Last evaluated: 2011-03-10. Review status: no assertion criteria provided. Collection method: clinical testing. Allele origin: germline. Not counted in ClinVar's aggregate classification.

Breast Cancer Information Core (BIC) (BRCA2)
Classification: Uncertain significance for Breast-ovarian cancer, familial 2. Last evaluated: 2002-05-29. Review status: no assertion criteria provided. Collection method: clinical testing. Allele origin: germline, somatic, unknown. Affected: yes. Observed: 105 variant alleles. Not counted in ClinVar's aggregate classification.

Clinical Genetics Laboratory, Department of Pathology, Netherlands Cancer Institute
Classification: Benign. Review status: no assertion criteria provided. Collection method: clinical testing. Allele origin: germline. Affected: yes. Study: VKGL Data-share Consensus. Not counted in ClinVar's aggregate classification.

Department of Pathology and Laboratory Medicine, Sinai Health System
Classification: Benign. Review status: no assertion criteria provided. Collection method: clinical testing. Allele origin: unknown. Affected: yes. Observed: 10 variant alleles. Study: The Canadian Open Genetics Repository (COGR). Not counted in ClinVar's aggregate classification.
Comment: The p.Arg2034Cys variant has been identified in 42 out of 7668 proband chromosomes (frequency 0.005) in individuals with unilateral and contralateral breast cancer and familial breast and ovarian cancer phenotype, and also found in 39 out of 3186 control chromosomes (frequency 0.012) included in these studies (Johnson 2007, Schoumacher 2001, Wagner 1999, Capanu 2011, Borg 2010, Hondow 2011, Salazar 2006, Diez 2003, Simard 2006, Miramar 2008, Beristain 2007). It is also listed in dbSNP database coming from a â€šÃ„Ãºclinical sourceâ€šÃ„Ã¹ (ID#: rs1799954) with a â€šÃ„Ãºglobal minor allele frequency of 0.001 (1000 genomes), therefore increasing the likelihood that this variant is benign. The p.Arg2034 is not conserved in mammals but was conserved in birds, reptiles, frogs and fish, therefore decreasing the likelihood that this variant has functional significance. Furthermore, the computational analyses (PolyPhen, SIFT, AlignGVGD) provide inconsistent predictions regarding the impact to the protein and this information is not very predictive of pathogenicity. In the UMD database, this variant has been identified in 22 (out of 137) individuals with breast or ovarian cancers, where a second pathogenic BRCA1 or BRCA2 mutation was also detected, further suggesting that this is a benign variant. In summary, based on the above information, this variant is classified as benign.

Diagnostic Laboratory, Department of Genetics, University Medical Center Groningen
Classification: Benign for Breast-ovarian cancer, familial, susceptibility to, 2. Review status: no assertion criteria provided. Collection method: clinical testing. Allele origin: germline. Affected: yes. Study: VKGL Data-share Consensus. Not counted in ClinVar's aggregate classification.

Joint Genome Diagnostic Labs from Nijmegen and Maastricht, Radboudumc and MUMC+
Classification: Benign. Review status: no assertion criteria provided. Collection method: clinical testing. Allele origin: germline. Affected: yes. Study: VKGL Data-share Consensus. Not counted in ClinVar's aggregate classification.

Laboratory of Diagnostic Genome Analysis, Leiden University Medical Center (LUMC)
Classification: Benign. Review status: no assertion criteria provided. Collection method: clinical testing. Allele origin: germline. Affected: yes. Study: VKGL Data-share Consensus. Not counted in ClinVar's aggregate classification.

Literature cited by the submitters: PubMed 21990134 (cited by 3 submitters); DOI 10.3389/fgene.2022.834265 (cited by National Health Laboratory Service, Universitas Academic Hospital and University of the Free State); PubMed 36329109 (cited by Genetics Program, Instituto Nacional de Cancer); PubMed 9971877 (cited by 3 submitters); PubMed 12215251 (cited by 3 submitters); PubMed 20104584 (cited by Women's Health and Genetics/Laboratory Corporation of America, LabCorp); PubMed 17341484 (cited by Women's Health and Genetics/Laboratory Corporation of America, LabCorp); PubMed 21520273 (cited by Women's Health and Genetics/Laboratory Corporation of America, LabCorp and Counsyl); PubMed 23231788 (cited by Women's Health and Genetics/Laboratory Corporation of America, LabCorp); PubMed 16574953 (cited by Women's Health and Genetics/Laboratory Corporation of America, LabCorp); PubMed 27495310 (cited by Department of Medical Genetics, University Hospital of North Norway); PubMed 22144684 (cited by Pathway Genomics); PubMed 11062481 (cited by Pathway Genomics); PubMed 18824701 (cited by Counsyl); PubMed 24728327 (cited by ITMI).